The following is an entry in ClinVar:

NM_000169.3(GLA):c.784T>C (p.Trp262Arg)

Genes: GLA (galactosidase alpha; minus strand), RPL36A-HNRNPH2 (RPL36A-HNRNPH2 readthrough; plus strand). Cytogenetic location: Xq22.1.
Variant type: single nucleotide variant.
Coding change: c.784T>C on transcript NM_000169.3 (MANE Select); coding-DNA position 784, T replaced by C.
Protein change: p.Trp262Arg; replaces tryptophan 262 with arginine.
Molecular consequence: missense variant. On other transcripts: non-coding transcript variant (3), intron variant (2).
Genome position (GRCh38, 1-based): chrX:101,398,802, A>G on the plus strand (T>C on the coding strand, the complement: GLA is on the minus strand). VCF-style: chrX-101398802-A-G. GRCh37 (hg19) VCF-style: chrX-100653790-A-G.
Other names: c.907T>C, p.Trp303Arg (NM_001406747.1); c.784T>C, p.Trp262Arg (NM_001406748.1); c.300+3345A>G (NM_001199973.2); c.177+6980A>G (NM_001199974.2); short protein forms W262R, W303R.
Identifiers: ClinVar variation 217398 (VCV000217398.3), dbSNP rs869312154, ClinGen allele CA353257.
Genomic context (GRCh38, chrX:101,398,802, plus strand): 5'-AGCCTACCGCAGGGTCTTGAACAAGGAGGGCTCAAGTTTTTACCATATCTGGGTCATTCC[A>G]ACCCCCTGGTCCAGCAACATCAACAATTCTCTCCTGGTTAAAAGATGTCCAGTCCAAGAT-3'
Protein context (NP_000160.1, residues 252-272): RIVDVAGPGG[Trp262Arg]NDPDMLVIGN

ClinVar aggregate classification (germline): Pathogenic. Review status: criteria provided, single submitter (1 of 4 stars). 3 submissions from 2 submitters: Pathogenic (1). 2 of the submissions do not count toward it. Last evaluated 2026-09-08.

Conditions:
Fabry disease. Also called: ALPHA-GALACTOSIDASE A DEFICIENCY; ANDERSON-FABRY DISEASE; CERAMIDE TRIHEXOSIDASE DEFICIENCY; Fabry's disease; Angiokeratoma corporis diffusum; Ceramide trihexosidosis. Identifiers: Orphanet 324, MedGen C0002986, MONDO:0010526, OMIM 301500, HP:0001071. Disease mechanism: loss of function, Fabry disease is due to inactivating mutations in the X-linked GLA gene resulting in deficiency of the enzyme Alpha Galactosidase-A..
Migalastat response. Also called: 1-Deoxygalactonojirimycin response; Galafold response. Identifiers: MedGen CN233149.

Submissions (3):

Genomenon, Inc
Classification: Pathogenic for Fabry disease. Last evaluated: 2026-09-08. Review status: criteria provided, single submitter. Criteria: Genomenon Sequence Variant Interpretation Standards - Updated. Collection method: curation. Allele origin: germline. Affected: yes.
Comment: GLA p.Trp262Arg (c.784T>C) is a missense variant that changes the amino acid at codon 262 from Tryptophan to Arginine. This variant has been observed in at least one proband with clinical features consistent with Fabry disease (PMID:32583479;26415523). At least one functional study has demonstrated a substantial alteration in protein function relative to the wild-type (PMID:26415523). This variant is located in a mutational hotspot and/or important functional domain. It is absent or not present at a significant frequency in gnomAD. In silico models predict that this variant is possibly or probably damaging. In conclusion, we classify GLA p.Trp262Arg (c.784T>C) as a pathogenic variant.

Albrecht-Kossel-Institute, Medical University Rostock
Classification: Pathogenic for Fabry's disease. Last evaluated: 2014-01-01. Review status: no assertion criteria provided. Collection method: research. Allele origin: inherited. Not counted in ClinVar's aggregate classification.

Albrecht-Kossel-Institute, Medical University Rostock
Classification: drug response for deoxygalactonojirimycin response. Last evaluated: 2014-01-01. Review status: no assertion criteria provided. Collection method: research. Allele origin: inherited. Not counted in ClinVar's aggregate classification.

Literature cited by the submitters: PubMed 32583479 (cited by Genomenon, Inc); PubMed 26415523 (cited by Genomenon, Inc and Albrecht-Kossel-Institute, Medical University Rostock).